The following is an entry in ClinVar:

NM_001105206.3(LAMA4):c.1213T>C (p.Tyr405His)

Gene: LAMA4 (laminin subunit alpha 4; minus strand). Cytogenetic location: 6q21.
Variant type: single nucleotide variant.
Coding change: c.1213T>C on transcript NM_001105206.3 (MANE Select); coding-DNA position 1213, T replaced by C.
Protein change: p.Tyr405His; replaces tyrosine 405 with histidine.
Molecular consequence: missense variant.
Genome position (GRCh38, 1-based): chr6:112,175,457, A>G on the plus strand (T>C on the coding strand, the complement: LAMA4 is on the minus strand). VCF-style: chr6-112175457-A-G. GRCh37 (hg19) VCF-style: chr6-112496659-A-G.
Other names: c.1192T>C, p.Tyr398His (NM_001105207.3, NM_002290.5); short protein forms Y398H, Y405H.
Identifiers: ClinVar variation 1745358 (VCV001745358.5), dbSNP rs782600900, ClinGen allele CA3965826.
Genomic context (GRCh38, chr6:112,175,457, plus strand): 5'-TCTGGGCCAACACCAGCTTCTCAGAGATTTCCTTGGGGCTAAGTTCATGCTCTTCCCCAT[A>G]ATAGAGCATCTTGTTGTTGATCTCTGAAAGGAAGAACATGGTGAAACAAGGCAGCAGGGA-3'
Protein context (NP_001098676.2, residues 395-415): IQEINNKMLY[Tyr405His]GEEHELSPKE

ClinVar aggregate classification (germline): Uncertain significance. Review status: criteria provided, multiple submitters, no conflicts (2 of 4 stars). 2 submissions from 2 submitters: Uncertain significance (2). Last evaluated 2025-08-06.

Conditions:
Cardiovascular phenotype. Identifiers: MedGen CN230736.
Dilated cardiomyopathy 1JJ (CMD1JJ). Identifiers: Orphanet 154, MedGen C3808935, MONDO:0014095, OMIM 615235.

Allele frequency attached by ClinVar (database versions not stated): gnomAD exomes below 0.00001; ExAC 0.00001; gnomAD 0.00002; TOPMed 0.00003.
gnomAD v4.1: 5 of 1,614,008 alleles (0.00031%); highest among the groups gnomAD compares: African/African-American, 0.0067%; no homozygotes.

Submissions (2):

Labcorp Genetics (formerly Invitae), Labcorp
Classification: Uncertain significance for Dilated cardiomyopathy 1JJ. Last evaluated: 2025-08-06. Review status: criteria provided, single submitter. Criteria: Invitae Variant Classification Sherloc (09022015). Collection method: clinical testing. Allele origin: germline.
Comment: This sequence change replaces tyrosine, which is neutral and polar, with histidine, which is basic and polar, at codon 398 of the LAMA4 protein (p.Tyr398His). This variant is present in population databases (rs782600900, gnomAD 0.01%). This variant has not been reported in the literature in individuals affected with LAMA4-related conditions. ClinVar contains an entry for this variant (Variation ID: 1745358). Invitae Evidence Modeling of protein sequence and biophysical properties (such as structural, functional, and spatial information, amino acid conservation, physicochemical variation, residue mobility, and thermodynamic stability) indicates that this missense variant is not expected to disrupt LAMA4 protein function with a negative predictive value of 80%. In summary, the available evidence is currently insufficient to determine the role of this variant in disease. Therefore, it has been classified as a Variant of Uncertain Significance.

Ambry Genetics
Classification: Uncertain significance for Cardiovascular phenotype. Last evaluated: 2025-03-25. Review status: criteria provided, single submitter. Criteria: Ambry Variant Classification Scheme 2023. Collection method: clinical testing. Allele origin: germline.
Comment: The p.Y398H variant (also known as c.1192T>C), located in coding exon 10 of the LAMA4 gene, results from a T to C substitution at nucleotide position 1192. The tyrosine at codon 398 is replaced by histidine, an amino acid with similar properties. This amino acid position is highly conserved in available vertebrate species. In addition, the in silico prediction for this alteration is inconclusive. Since supporting evidence is limited at this time, the clinical significance of this alteration remains unclear.